The following is an entry in ClinVar:

NM_031935.3(HMCN1):c.7313-5T>G

Gene: HMCN1 (hemicentin 1; plus strand). Cytogenetic location: 1q31.1.
Variant type: single nucleotide variant.
Coding change: c.7313-5T>G on transcript NM_031935.3 (MANE Select); 5 bases into the intron before coding-DNA position 7313, T replaced by G.
Molecular consequence: intron variant.
Genome position (GRCh38, 1-based): chr1:186,061,846, T>G. VCF-style: chr1-186061846-T-G. GRCh37 (hg19) VCF-style: chr1-186030978-T-G.
Identifiers: ClinVar variation 1470112 (VCV001470112.6), dbSNP rs762447090, ClinGen allele CA1292803.

ClinVar aggregate classification (germline): Uncertain significance (1 of 4 stars; one submission).

Allele frequency attached by ClinVar (database versions not stated): gnomAD 0.00001; gnomAD exomes 0.00002; ExAC 0.00004.
gnomAD v4.1: 36 of 1,596,996 alleles (0.0023%); highest among the groups gnomAD compares: South Asian, 0.039%; 2 homozygotes.

Submission:

Labcorp Genetics (formerly Invitae), Labcorp
Classification: Uncertain significance. Last evaluated: 2021-12-03. Review status: criteria provided, single submitter. Criteria: Invitae Variant Classification Sherloc (09022015). Collection method: clinical testing. Allele origin: germline.
Comment: In summary, the available evidence is currently insufficient to determine the role of this variant in disease. Therefore, it has been classified as a Variant of Uncertain Significance. Algorithms developed to predict the effect of sequence changes on RNA splicing suggest that this variant may disrupt the consensus splice site. This variant has not been reported in the literature in individuals affected with HMCN1-related conditions. This variant is present in population databases (rs762447090, gnomAD 0.02%). This sequence change falls in intron 46 of the HMCN1 gene. It does not directly change the encoded amino acid sequence of the HMCN1 protein.